The following is an entry in ClinVar:

ClinVar aggregate classification (germline): Uncertain significance (1 of 4 stars; one submission).

Submission:

Greenwood Genetic Center Diagnostic Laboratories, Greenwood Genetic Center
Classification: Uncertain significance. Last evaluated: 2026-06-01. Review status: criteria provided, single submitter. Criteria: ACMG Guidelines, 2015. Collection method: clinical testing. Allele origin: germline.
Comment: PM2, PP2, PP3

NM_001318852.2(MAPK8IP3):c.2110C>A (p.Pro704Thr)

Gene: MAPK8IP3 (mitogen-activated protein kinase 8 interacting protein 3; plus strand). Cytogenetic location: 16p13.3.
Variant type: single nucleotide variant.
Coding change: c.2110C>A on transcript NM_001318852.2 (MANE Select); coding-DNA position 2110, C replaced by A.
Protein change: p.Pro704Thr; replaces proline 704 with threonine.
Molecular consequence: missense variant.
Genome position (GRCh38, 1-based): chr16:1,764,199, C>A. VCF-style: chr16-1764199-C-A. GRCh37 (hg19) VCF-style: chr16-1814200-C-A.
Other names: c.2089C>A, p.Pro697Thr (NM_001040439.2); c.2107C>A, p.Pro703Thr (NM_015133.5); short protein forms P697T, P703T, P704T.
Identifiers: ClinVar variation 4891116 (VCV004891116.1).